The following is an entry in ClinVar:

NM_001378120.1(MBD5):c.*19T>G

Gene: MBD5 (methyl-CpG binding domain protein 5; plus strand). Cytogenetic location: 2q23.1.
Variant type: single nucleotide variant.
Coding change: c.*19T>G on transcript NM_001378120.1 (MANE Select); 19 bases downstream of the stop codon, T replaced by G.
Molecular consequence: 3 prime UTR variant.
Genome position (GRCh38, 1-based): chr2:148,512,960, T>G. VCF-style: chr2-148512960-T-G. GRCh37 (hg19) VCF-style: chr2-149270529-T-G.
Other names: c.*19T>G (NM_001438854.1, NM_001438855.1, NM_001438856.1 and 7 more transcripts).
Identifiers: ClinVar variation 4526023 (VCV004526023.1).

ClinVar aggregate classification (germline): Uncertain significance (1 of 4 stars; one submission).

gnomAD v4.1: 3 of 1,604,222 alleles (0.00019%); highest among the groups gnomAD compares: African/African-American, 0.004%; no homozygotes.

Submission:

Women's Health and Genetics/Laboratory Corporation of America, LabCorp
Classification: Uncertain significance. Last evaluated: 2025-07-09. Review status: criteria provided, single submitter. Criteria: LabCorp Variant Classification Summary - May 2015. Collection method: clinical testing. Allele origin: germline.
Comment: Variant summary: MBD5 c.*19T>G is located in the untranslated mRNA region downstream of the termination codon. The variant allele was found at a frequency of 8e-06 in 251124 control chromosomes. The available data on variant occurrences in the general population are insufficient to allow any conclusion about variant significance. To our knowledge, no occurrence of c.*19T>G in individuals affected with MBD5 Associated Neurodevelopmental Disorder and no experimental evidence demonstrating its impact on protein function have been reported. No submitters have cited clinical-significance assessments for this variant to ClinVar. Based on the evidence outlined above, the variant was classified as uncertain significance.